The following is an entry in ClinVar:

ClinVar aggregate classification (germline): Likely pathogenic (1 of 4 stars; one submission).

Conditions:
Autosomal recessive nonsyndromic hearing loss 4 (DFNB4). Also called: Enlarged vestibular aqueduct, digenic; Deafness, autosomal recessive 4; FOXI1-Related Pendred Syndrome; KCNJ10-Related Pendred Syndrome; DEAFNESS, AUTOSOMAL RECESSIVE 4, WITH ENLARGED VESTIBULAR AQUEDUCT, DIGENIC; NEUROSENSORY NONSYNDROMIC RECESSIVE DEAFNESS 4. Identifiers: Orphanet 90636, MedGen C3538946, MONDO:0010933, OMIM 600791.

Submission:

Wonkam Laboratory, Johns Hopkins University
Classification: Likely pathogenic for Autosomal recessive nonsyndromic hearing loss 4. Last evaluated: 2024-01-06. Review status: criteria provided, single submitter. Criteria: ACMG Guidelines, 2015. Collection method: research. Allele origin: germline. Inheritance: Autosomal recessive inheritance. Affected: yes. Observed: 2 variant alleles.
Comment: This variant SLC26A4 c.860dupA NM_000441.1 is a null variant predicted to prematurely termination the protein translation in a gene where LOF is a known mechanism of disease (PSV1), the variant is absent from controls (or at extremely low frequency if recessive) in Exome Sequencing Project, 1000 Genomes Project, or Exome Aggregation Consortium (PM2)

NM_000441.2(SLC26A4):c.861dup (p.Leu288fs)

Gene: SLC26A4 (solute carrier family 26 member 4; plus strand). Cytogenetic location: 7q22.3.
Variant type: Duplication.
Coding change: c.861dup on transcript NM_000441.2 (MANE Select); coding-DNA position 861, one base duplicated (A; older notation c.861dupA).
Protein change: p.Leu288fs; shifts the reading frame from leucine 288.
Molecular consequence: frameshift variant.
Genome position (GRCh38, 1-based): chr7:107,683,297, A duplicated; the last of 2 consecutive A bases (chr7:107,683,296-107,683,297); duplicating either gives the same sequence. VCF-style (leftmost placement, unchanged base first): chr7-107683295-G-GA. GRCh37 (hg19) VCF-style: chr7-107323740-G-GA.
Other names: short protein forms L288fs.
Identifiers: ClinVar variation 3767325 (VCV003767325.1).